The following is an entry in ClinVar:

ClinVar aggregate classification (germline): Uncertain significance (1 of 4 stars; one submission).

Conditions:
Multiple acyl-CoA dehydrogenase deficiency (MADD). Also called: ETHYLMALONIC-ADIPICACIDURIA; GA II; Glutaric aciduria, type 2; Glutaric acidemia type II; GA 2; Glutaric Acidemia type 2. Identifiers: Orphanet 26791, MedGen C0268596, MONDO:0009282, OMIM 231680.

Allele frequency attached by ClinVar (database versions not stated): gnomAD exomes below 0.00001; TOPMed below 0.00001.
gnomAD v4.1: 4 of 1,612,844 alleles (0.00025%); highest among the groups gnomAD compares: Non-Finnish European, 0.00025%; no homozygotes.

Submission:

Labcorp Genetics (formerly Invitae), Labcorp
Classification: Uncertain significance for Multiple acyl-CoA dehydrogenase deficiency. Last evaluated: 2022-06-22. Review status: criteria provided, single submitter. Criteria: Invitae Variant Classification Sherloc (09022015). Collection method: clinical testing. Allele origin: germline.
Comment: This sequence change replaces asparagine, which is neutral and polar, with aspartic acid, which is acidic and polar, at codon 259 of the ETFA protein (p.Asn259Asp). This variant is present in population databases (no rsID available, gnomAD 0.0009%). This variant has not been reported in the literature in individuals affected with ETFA-related conditions. Algorithms developed to predict the effect of missense changes on protein structure and function are either unavailable or do not agree on the potential impact of this missense change (SIFT: "Deleterious"; PolyPhen-2: "Probably Damaging"; Align-GVGD: "Class C15"). In summary, the available evidence is currently insufficient to determine the role of this variant in disease. Therefore, it has been classified as a Variant of Uncertain Significance.

NM_000126.4(ETFA):c.775A>G (p.Asn259Asp)

Gene: ETFA (electron transfer flavoprotein subunit alpha; minus strand). Cytogenetic location: 15q24.2.
Variant type: single nucleotide variant.
Coding change: c.775A>G on transcript NM_000126.4 (MANE Select); coding-DNA position 775, A replaced by G.
Protein change: p.Asn259Asp; replaces asparagine 259 with aspartic acid.
Molecular consequence: missense variant.
Genome position (GRCh38, 1-based): chr15:76,274,453, T>C on the plus strand (A>G on the coding strand, the complement: ETFA is on the minus strand). VCF-style: chr15-76274453-T-C. GRCh37 (hg19) VCF-style: chr15-76566794-T-C.
Other names: c.628A>G, p.Asn210Asp (NM_001127716.2); short protein forms N210D, N259D.
Identifiers: ClinVar variation 1989306 (VCV001989306.1), dbSNP rs1441796075, ClinGen allele CA393511032.